The following is an entry in ClinVar:

NM_013275.6(ANKRD11):c.1060_1089del (p.Glu354_Asp363del)

Gene: ANKRD11 (ankyrin repeat domain 11; minus strand). Cytogenetic location: 16q24.3.
Variant type: Deletion.
Coding change: c.1060_1089del on transcript NM_013275.6 (MANE Select); coding-DNA positions 1060 to 1089, 30 bases deleted (GAGCAGGACAGGGTTCCTCCGGTGGACGAC).
Protein change: p.Glu354_Asp363del.
Molecular consequence: inframe deletion.
Genome position (GRCh38, 1-based): chr16:89,285,453-89,285,482, GTCGTCCACCGGAGGAACCCTGTCCTGCTC deleted on the plus strand (GAGCAGGACAGGGTTCCTCCGGTGGACGAC on the coding strand, the reverse complement: ANKRD11 is on the minus strand); deleting any 30 consecutive bases within chr16:89,285,453-89,285,489 gives the same sequence; the c. name uses the placement nearest the transcript's 3' end. VCF-style (leftmost placement, unchanged base first): chr16-89285452-TGTCGTCCACCGGAGGAACCCTGTCCTGCTC-T. GRCh37 (hg19) VCF-style: chr16-89351860-TGTCGTCCACCGGAGGAACCCTGTCCTGCTC-T.
Other names: c.1060_1089del, p.Glu354_Asp363del (NM_001256182.2, NM_001256183.2).
Identifiers: ClinVar variation 2647090 (VCV002647090.24), dbSNP rs2544246313, ClinGen allele CA2695201164.
Genomic context (GRCh38, chr16:89,285,452, plus strand): 5'-GTATAGAGATAAAACTATTGGATTTCGTTTCTTTTCTGTAGTCCTTTTTCAATAGGTGCT[TGTCGTCCACCGGAGGAACCCTGTCCTGCTC>T]GTCGTCCTCATCAAACTCATACTCGTCCTTGACGGGGGCCGTGGCCTTCTGTGGCTCTGG-3'

ClinVar aggregate classification (germline): Uncertain significance (1 of 4 stars; one submission).

Submission:

CeGaT Center for Human Genetics Tuebingen
Classification: Uncertain significance. Last evaluated: 2022-03-01. Review status: criteria provided, single submitter. Criteria: CeGaT Center For Human Genetics Tuebingen Variant Classification Criteria Version 2. Collection method: clinical testing. Allele origin: germline. Affected: yes. Observed: 1 variant allele.
Comment: ANKRD11: PM2, PM4